The following is an entry in ClinVar:

NM_020442.6(VARS2):c.2467-3C>T

Gene: VARS2 (valyl-tRNA synthetase 2, mitochondrial; plus strand). Cytogenetic location: 6p21.33.
Variant type: single nucleotide variant.
Coding change: c.2467-3C>T on transcript NM_020442.6 (MANE Select); 3 bases into the intron before coding-DNA position 2467, C replaced by T.
Molecular consequence: intron variant.
Genome position (GRCh38, 1-based): chr6:30,924,351, C>T. VCF-style: chr6-30924351-C-T. GRCh37 (hg19) VCF-style: chr6-30892128-C-T.
Other names: c.2557-3C>T (NM_001167734.2); c.2047-3C>T (NM_001167733.3).
Identifiers: ClinVar variation 4768204 (VCV004768204.1).

ClinVar aggregate classification (germline): Uncertain significance (1 of 4 stars; one submission).

Submission:

Labcorp Genetics (formerly Invitae), Labcorp
Classification: Uncertain significance. Last evaluated: 2025-02-15. Review status: criteria provided, single submitter. Criteria: Invitae Variant Classification Sherloc (09022015). Collection method: clinical testing. Allele origin: germline.
Comment: This sequence change falls in intron 25 of the VARS2 gene. It does not directly change the encoded amino acid sequence of the VARS2 protein. It affects a nucleotide within the consensus splice site. This variant is present in population databases (no rsID available, gnomAD 0.0009%). This variant has not been reported in the literature in individuals affected with VARS2-related conditions. Variants that disrupt the consensus splice site are a relatively common cause of aberrant splicing (PMID: 17576681, 9536098). Algorithms developed to predict the effect of sequence changes on RNA splicing suggest that this variant is not likely to affect RNA splicing. In summary, the available evidence is currently insufficient to determine the role of this variant in disease. Therefore, it has been classified as a Variant of Uncertain Significance.

Literature cited by the submitters: PubMed 17576681; PubMed 9536098.